The following is an entry in ClinVar:

ClinVar aggregate classification (germline): Benign/Likely benign. Review status: criteria provided, multiple submitters, no conflicts (2 of 4 stars). 5 submissions from 5 submitters: Benign (1); Likely benign (4). Last evaluated 2025-09-03.

Conditions:
Cardiac arrhythmia. Also called: Cardiac rhythm disease; Arrhythmia. Identifiers: MedGen C0003811, MONDO:0007263, HP:0011675.
Long QT syndrome (LQTS). Identifiers: MedGen C0023976, MeSH D008133, MONDO:0002442. Disease mechanism: loss of function. Inheritance: Various modes of inheritance.
Cardiovascular phenotype. Identifiers: MedGen CN230736.

Allele frequency attached by ClinVar (database versions not stated): gnomAD 0.00001 and 0.00006; TOPMed 0.00001; gnomAD exomes 0.00004 and 0.00010; ESP Exome Variant Server 0.00008; ExAC 0.00034; 1000 Genomes Project 30x 0.00078; 1000 Genomes Project 0.00080.
gnomAD v4.1: 63 of 1,565,412 alleles (0.004%); highest among the groups gnomAD compares: South Asian, 0.054%; no homozygotes.

Submissions (5):

Labcorp Genetics (formerly Invitae), Labcorp
Classification: Likely benign for Long QT syndrome. Last evaluated: 2025-09-03. Review status: criteria provided, single submitter. Criteria: Invitae Variant Classification Sherloc (09022015). Collection method: clinical testing. Allele origin: germline.

All of Us Research Program, National Institutes of Health
Classification: Likely benign for Long QT syndrome. Last evaluated: 2024-04-16. Review status: criteria provided, single submitter. Criteria: ACMG Guidelines, 2015. Collection method: clinical testing. Allele origin: germline. Inheritance: Autosomal dominant inheritance. Observed: 2 variant alleles, 2 heterozygotes.
Comment: This study involves interpretation of variants in research participants for the purpose of population health screening. Participant phenotype was not available at the time of variant classification. Additional details can be found in publication PMID: 35346344, PMCID: PMC8962531

Women's Health and Genetics/Laboratory Corporation of America, LabCorp
Classification: Benign. Last evaluated: 2020-09-06. Review status: criteria provided, single submitter. Criteria: LabCorp Variant Classification Summary - May 2015. Collection method: clinical testing. Allele origin: germline.

Ambry Genetics
Classification: Likely benign for Cardiovascular phenotype. Last evaluated: 2019-10-11. Review status: criteria provided, single submitter. Criteria: Ambry Variant Classification Scheme 2023. Collection method: clinical testing. Allele origin: germline.

Color Diagnostics, LLC DBA Color Health
Classification: Likely benign for Arrhythmia. Last evaluated: 2018-10-08. Review status: criteria provided, single submitter. Criteria: ACMG Guidelines, 2015. Collection method: clinical testing. Allele origin: germline.

NM_000218.3(KCNQ1):c.1608C>T (p.Tyr536=)

Gene: KCNQ1 (potassium voltage-gated channel subfamily Q member 1; plus strand). Cytogenetic location: 11p15.5.
Variant type: single nucleotide variant.
Coding change: c.1608C>T on transcript NM_000218.3 (MANE Select); coding-DNA position 1608, C replaced by T.
Protein change: p.Tyr536=; no amino-acid change (tyrosine 536 retained).
Molecular consequence: synonymous variant.
Genome position (GRCh38, 1-based): chr11:2,775,977, C>T. VCF-style: chr11-2775977-C-T. GRCh37 (hg19) VCF-style: chr11-2797207-C-T.
Other names: c.1512C>T, p.Tyr504= (NM_001406836.1); c.1338C>T, p.Tyr446= (NM_001406837.1); c.1068C>T, p.Tyr356= (NM_001406838.1); c.1227C>T, p.Tyr409= (NM_181798.2).
Identifiers: ClinVar variation 456860 (VCV000456860.18), dbSNP rs138551008, ClinGen allele CA031500.